The following is an entry in ClinVar:

NM_001447.3(FAT2):c.1798G>A (p.Glu600Lys)

Gene: FAT2 (FAT atypical cadherin 2; minus strand). Cytogenetic location: 5q33.1.
Variant type: single nucleotide variant.
Coding change: c.1798G>A on transcript NM_001447.3 (MANE Select); coding-DNA position 1798, G replaced by A.
Protein change: p.Glu600Lys; replaces glutamic acid 600 with lysine.
Molecular consequence: missense variant.
Genome position (GRCh38, 1-based): chr5:151,567,134, C>T on the plus strand (G>A on the coding strand, the complement: FAT2 is on the minus strand). VCF-style: chr5-151567134-C-T. GRCh37 (hg19) VCF-style: chr5-150946695-C-T.
Other names: short protein forms E600K.
Identifiers: ClinVar variation 2956486 (VCV002956486.3), dbSNP rs577408443, ClinGen allele CA3522187.
Genomic context (GRCh38, chr5:151,567,134, plus strand): 5'-ATATCACTCCGGAGAAATGATTTAGATCAAAATACTCTAGTTCATTGCCTGATACAATCT[C>T]GTATTTTAGGTTCTGAAGCTCATCCACATCTATGGCTGACATAGTCATTATCGATTTCCC-3'
Protein context (NP_001438.1, residues 590-610): DVDELQNLKY[Glu600Lys]IVSGNELEYF

ClinVar aggregate classification (germline): Uncertain significance (1 of 4 stars; one submission).

Allele frequency attached by ClinVar (database versions not stated): TOPMed below 0.00001; ExAC 0.00001; gnomAD 0.00001; gnomAD exomes 0.00001.
gnomAD v4.1: 21 of 1,614,004 alleles (0.0013%); highest among the groups gnomAD compares: Admixed American, 0.0033%; no homozygotes.

Submission:

Labcorp Genetics (formerly Invitae), Labcorp
Classification: Uncertain significance. Last evaluated: 2023-02-09. Review status: criteria provided, single submitter. Criteria: Invitae Variant Classification Sherloc (09022015). Collection method: clinical testing. Allele origin: germline.
Comment: This sequence change replaces glutamic acid, which is acidic and polar, with lysine, which is basic and polar, at codon 600 of the FAT2 protein (p.Glu600Lys). This variant is present in population databases (rs577408443, gnomAD 0.003%). This variant has not been reported in the literature in individuals affected with FAT2-related conditions. Advanced modeling of protein sequence and biophysical properties (such as structural, functional, and spatial information, amino acid conservation, physicochemical variation, residue mobility, and thermodynamic stability) performed at Invitae indicates that this missense variant is not expected to disrupt FAT2 protein function. In summary, the available evidence is currently insufficient to determine the role of this variant in disease. Therefore, it has been classified as a Variant of Uncertain Significance.